The following is an entry in ClinVar:

NM_001267550.2(TTN):c.81561_81562insGGCCGGGCGCGGTGGCTCACGCCTGTAATCCCAGCACTTTGGGAGGCCGAGGCGGGCGGATCACGAGGTCANNNNNNNNNNAAAAAAAAAAAAAAAAAAAAAAGAAACAATGTC (p.Val27187_Thr27188insGlyArgAlaArgTrpLeuThrProValIleProAlaLeuTrpGluAlaGluAlaGlyGlySerArgGlyXaaXaaXaaXaaLysLysLysLysLysLysLysArgAsnAsnVal)

Genes: TTN (titin; minus strand), TTN-AS1 (TTN antisense RNA 1; plus strand). Cytogenetic location: 2q31.2.
Variant type: Insertion.
Coding change: c.81561_81562insGGCCGGGCGCGGTGGCTCACGCCTGTAATCCCAGCACTTTGGGAGGCCGAGGCGGGCGGATCACGAGGTCANNNNNNNNNNAAAAAAAAAAAAAAAAAAAAAAGAAACAATGTC on transcript NM_001267550.2 (MANE Select); coding-DNA positions 81561 to 81562, GGCCGGGCGCGGTGGCTCACGCCTGTAATCCCAGCACTTTGGGAGGCCGAGGCGGGCGGATCACGAGGTCANNNNNNNNNNAAAAAAAAAAAAAAAAAAAAAAGAAACAATGTC inserted.
Protein change: p.Val27187_Thr27188insGlyArgAlaArgTrpLeuThrProValIleProAlaLeuTrpGluAlaGluAlaGlyGlySerArgGlyXaaXaaXaaXaaLysLysLysLysLysLysLysArgAsnAsnVal.
Molecular consequence: inframe insertion.
Genome position: GRCh38: chr2:178,564,583-178,564,584. GRCh37 (hg19): chr2:179,429,310-179,429,311.
Other names: c.76638_76639insGGCCGGGCGCGGTGGCTCACGCCTGTAATCCCAGCACTTTGGGAGGCCGAGGCGGGCGGATCACGAGGTCANNNNNNNNNNAAAAAAAAAAAAAAAAAAAAAAGAAACAATGTC, p.Val25546_Thr25547insGlyArgAlaArgTrpLeuThrProValIleProAlaLeuTrpGluAlaGluAlaGlyGlySerArgGlyXaaXaaXaaXaaLysLysLysLysLysLysLysArgAsnAsnVal (NM_001256850.1); c.54366_54367insGGCCGGGCGCGGTGGCTCACGCCTGTAATCCCAGCACTTTGGGAGGCCGAGGCGGGCGGATCACGAGGTCANNNNNNNNNNAAAAAAAAAAAAAAAAAAAAAAGAAACAATGTC, p.Val18122_Thr18123insGlyArgAlaArgTrpLeuThrProValIleProAlaLeuTrpGluAlaGluAlaGlyGlySerArgGlyXaaXaaXaaXaaLysLysLysLysLysLysLysArgAsnAsnVal (NM_003319.4); c.73857_73858insGGCCGGGCGCGGTGGCTCACGCCTGTAATCCCAGCACTTTGGGAGGCCGAGGCGGGCGGATCACGAGGTCANNNNNNNNNNAAAAAAAAAAAAAAAAAAAAAAGAAACAATGTC, p.Val24619_Thr24620insGlyArgAlaArgTrpLeuThrProValIleProAlaLeuTrpGluAlaGluAlaGlyGlySerArgGlyXaaXaaXaaXaaLysLysLysLysLysLysLysArgAsnAsnVal (NM_133378.4); c.54741_54742insGGCCGGGCGCGGTGGCTCACGCCTGTAATCCCAGCACTTTGGGAGGCCGAGGCGGGCGGATCACGAGGTCANNNNNNNNNNAAAAAAAAAAAAAAAAAAAAAAGAAACAATGTC, p.Val18247_Thr18248insGlyArgAlaArgTrpLeuThrProValIleProAlaLeuTrpGluAlaGluAlaGlyGlySerArgGlyXaaXaaXaaXaaLysLysLysLysLysLysLysArgAsnAsnVal (NM_133432.3); c.54942_54943insGGCCGGGCGCGGTGGCTCACGCCTGTAATCCCAGCACTTTGGGAGGCCGAGGCGGGCGGATCACGAGGTCANNNNNNNNNNAAAAAAAAAAAAAAAAAAAAAAGAAACAATGTC, p.Val18314_Thr18315insGlyArgAlaArgTrpLeuThrProValIleProAlaLeuTrpGluAlaGluAlaGlyGlySerArgGlyXaaXaaXaaXaaLysLysLysLysLysLysLysArgAsnAsnVal (NM_133437.4).
Identifiers: ClinVar variation 1519835 (VCV001519835.6), dbSNP rs2154162886.

ClinVar aggregate classification (germline): Likely pathogenic (1 of 4 stars; one submission).

Conditions:
Dilated cardiomyopathy 1G (CMD1G). Identifiers: Orphanet 154, MedGen C1858763, MONDO:0011400, OMIM 604145.
Autosomal recessive limb-girdle muscular dystrophy type 2J (LGMDR10). Also called: Limb-girdle muscular dystrophy, type 2J; MUSCULAR DYSTROPHY, LIMB-GIRDLE, AUTOSOMAL RECESSIVE 10. Identifiers: Orphanet 140922, MedGen C1837342, MONDO:0012127, OMIM 608807.

Submission:

Labcorp Genetics (formerly Invitae), Labcorp
Classification: Likely pathogenic for Dilated cardiomyopathy 1G; Autosomal recessive limb-girdle muscular dystrophy type 2J. Last evaluated: 2021-10-04. Review status: criteria provided, single submitter. Criteria: Invitae Variant Classification Sherloc (09022015). Collection method: clinical testing. Allele origin: germline.
Comment: This sequence change inserts a large fragment of DNA, likely a transposable element, in exon 326 of the TTN gene (c.81561_81562ins?), causing a frameshift at codon 27188 (p.Val27188fs). The exact size and sequence of the insertion cannot be determined by the current assay. While this is not anticipated to result in nonsense mediated decay, it is expected to create a truncated TTN protein. This variant is not present in population databases (ExAC no frequency). This variant has not been reported in the literature in individuals affected with TTN-related conditions. Algorithms developed to predict the effect of sequence changes on RNA splicing suggest that this variant may create or strengthen a splice site. This variant is located in the A band of TTN (PMID: 25589632). Truncating variants in this region are significantly overrepresented in patients affected with dilated cardiomyopathy (PMID: 25589632). Truncating variants in this region have also been reported in individuals affected with autosomal recessive centronuclear myopathy (PMID: 23975875) Retrotransposon insertions including LINE1 (L1), Alu, and SVA (SINE-VNTR-Alu) have been reported to disrupt protein function (PMID: 19763152, 20307669, 22406018). However the effect of this particular variant is unknown. In summary, the currently available evidence indicates that the variant is pathogenic, but additional data are needed to prove that conclusively. Therefore, this variant has been classified as Likely Pathogenic.

Literature cited by the submitters: PubMed 25589632; PubMed 23975875; PubMed 19763152; PubMed 20307669; PubMed 22406018.